The following is an entry in ClinVar:

ClinVar aggregate classification (germline): Pathogenic (1 of 4 stars; one submission).

Conditions:
Early-infantile DEE. Also called: Early infantile epileptic encephalopathy; Early infantile epileptic encephalopathy with suppression bursts; Ohtahara syndrome. Identifiers: Orphanet 1934, MedGen C0393706, MONDO:0800491.

Submission:

Labcorp Genetics (formerly Invitae), Labcorp
Classification: Pathogenic for Early-infantile DEE. Last evaluated: 2026-01-17. Review status: criteria provided, single submitter. Criteria: Invitae Variant Classification Sherloc (09022015). Collection method: clinical testing. Allele origin: germline.
Comment: This sequence change creates a premature translational stop signal (p.Tyr95*) in the KCNQ2 gene. It is expected to result in an absent or disrupted protein product. Loss-of-function variants in KCNQ2 are known to be pathogenic (PMID: 14534157, 23692823, 27779742). This variant is not present in population databases (gnomAD no frequency). This variant has not been reported in the literature in individuals affected with KCNQ2-related conditions. For these reasons, this variant has been classified as Pathogenic.

Literature cited by the submitters: PubMed 14534157; PubMed 23692823; PubMed 27779742.

NM_172107.4(KCNQ2):c.285C>G (p.Tyr95Ter)

Gene: KCNQ2 (potassium voltage-gated channel subfamily Q member 2; minus strand). Cytogenetic location: 20q13.33.
Variant type: single nucleotide variant.
Coding change: c.285C>G on transcript NM_172107.4 (MANE Select); coding-DNA position 285, C replaced by G.
Protein change: p.Tyr95Ter; replaces tyrosine 95 with a stop codon.
Molecular consequence: nonsense.
Genome position (GRCh38, 1-based): chr20:63,472,179, G>C on the plus strand (C>G on the coding strand, the complement: KCNQ2 is on the minus strand). VCF-style: chr20-63472179-G-C. GRCh37 (hg19) VCF-style: chr20-62103532-G-C.
Other names: c.285C>G, p.Tyr95Ter (NM_001382235.1, NM_001439003.1, NM_001439004.1 and 4 more transcripts); short protein forms Y95*.
Identifiers: ClinVar variation 4735532 (VCV004735532.1).
Genomic context (GRCh38, chr20:63,472,179, plus strand): 5'-GATGGGGGTCGCCATGGGGGTCGCCACGGGGGCCCCGCCGGCCACTCACACGTAGGCGTG[G>C]TAGATGAACGCCCAGCCGCGCGGCCGCTCCAGCACGTTGTAGAGGAAATTCTGCAGCTTG-3'